The following is an entry in ClinVar:

NM_130839.5(UBE3A):c.736A>G (p.Asn246Asp)

Genes: SNHG14 (small nucleolar RNA host gene 14; plus strand), UBE3A (ubiquitin protein ligase E3A; minus strand). Cytogenetic location: 15q11.2.
Variant type: single nucleotide variant.
Coding change: c.736A>G on transcript NM_130839.5 (MANE Select); coding-DNA position 736, A replaced by G.
Protein change: p.Asn246Asp; replaces asparagine 246 with aspartic acid.
Molecular consequence: missense variant. On other transcripts: non-coding transcript variant (1), intron variant (2).
Genome position (GRCh38, 1-based): chr15:25,371,438, T>C on the plus strand (A>G on the coding strand, the complement: UBE3A is on the minus strand). VCF-style: chr15-25371438-T-C. GRCh37 (hg19) VCF-style: chr15-25616585-T-C.
Other names: c.745A>G, p.Asn249Asp (NM_000462.5); c.736A>G, p.Asn246Asp (NM_001354505.1, NM_001354538.2, NM_001354545.2); c.676A>G, p.Asn226Asp (NM_001354506.2, NM_001354507.2, NM_001354508.2 and 17 more transcripts); c.559A>G, p.Asn187Asp (NM_001354546.2); c.301+4027A>G (NM_001354551.2); c.361+4027A>G (NM_001354550.2); short protein forms N187D, N226D, N246D, N249D.
Identifiers: ClinVar variation 2816475 (VCV002816475.3), dbSNP rs2552191723, ClinGen allele CA391355188.

ClinVar aggregate classification (germline): Uncertain significance (1 of 4 stars; one submission).

Conditions:
Angelman syndrome (AS). Also called: HAPPY PUPPET SYNDROME. Identifiers: Orphanet 72, MedGen C0162635, MONDO:0007113, OMIM 105830. Disease mechanism: loss of function. Inheritance: AS is caused by disruption of maternally imprinted UBE3A located within the 15q11.2-q13 Angelman syndrome/Prader-Willi syndrome (AS/PWS) region., imprinting disorder.

Submission:

Labcorp Genetics (formerly Invitae), Labcorp
Classification: Uncertain significance for Angelman syndrome. Last evaluated: 2024-09-09. Review status: criteria provided, single submitter. Criteria: Invitae Variant Classification Sherloc (09022015). Collection method: clinical testing. Allele origin: germline.
Comment: This sequence change replaces asparagine, which is neutral and polar, with aspartic acid, which is acidic and polar, at codon 226 of the UBE3A protein (p.Asn226Asp). This variant is not present in population databases (gnomAD no frequency). This variant has not been reported in the literature in individuals affected with UBE3A-related conditions. Invitae Evidence Modeling of protein sequence and biophysical properties (such as structural, functional, and spatial information, amino acid conservation, physicochemical variation, residue mobility, and thermodynamic stability) indicates that this missense variant is not expected to disrupt UBE3A protein function with a negative predictive value of 95%. In summary, the available evidence is currently insufficient to determine the role of this variant in disease. Therefore, it has been classified as a Variant of Uncertain Significance.